The following is an entry in ClinVar:

ClinVar aggregate classification (germline): Uncertain significance. Review status: criteria provided, multiple submitters, no conflicts (2 of 4 stars). 3 submissions from 3 submitters: Uncertain significance (3). Last evaluated 2025-10-28.

Conditions:
Hypertrophic cardiomyopathy. Also called: HYPERTROPHIC MYOCARDIOPATHY. Identifiers: Orphanet 217569, MedGen C0007194, MeSH D002312, MONDO:0005045, HP:0001639.
Cardiovascular phenotype. Identifiers: MedGen CN230736.
Cardiomyopathy (CMYO). Also called: Cardiomyopathies. Identifiers: Orphanet 167848, MedGen C0878544, MONDO:0004994, HP:0001638. Inheritance: Various modes of inheritance.

Allele frequency attached by ClinVar (database versions not stated): gnomAD exomes below 0.00001.
gnomAD v4.1: 2 of 1,601,194 alleles (0.00012%); highest among the groups gnomAD compares: African/African-American, 0.0013%; no homozygotes.

Submissions (3):

Labcorp Genetics (formerly Invitae), Labcorp
Classification: Uncertain significance for Hypertrophic cardiomyopathy. Last evaluated: 2025-10-28. Review status: criteria provided, single submitter. Criteria: Invitae Variant Classification Sherloc (09022015). Collection method: clinical testing. Allele origin: germline.
Comment: This sequence change replaces alanine, which is neutral and non-polar, with valine, which is neutral and non-polar, at codon 1105 of the MYBPC3 protein (p.Ala1105Val). This variant is not present in population databases (gnomAD no frequency). This variant has not been reported in the literature in individuals affected with MYBPC3-related conditions. ClinVar contains an entry for this variant (Variation ID: 2193350). An algorithm developed to predict the effect of missense changes on protein structure and function (PolyPhen-2) suggests that this variant is likely to be disruptive. In summary, the available evidence is currently insufficient to determine the role of this variant in disease. Therefore, it has been classified as a Variant of Uncertain Significance.

Color Diagnostics, LLC DBA Color Health
Classification: Uncertain significance for Cardiomyopathy. Last evaluated: 2025-08-27. Review status: criteria provided, single submitter. Criteria: ACMG Guidelines, 2015. Collection method: clinical testing. Allele origin: germline.
Comment: This missense variant replaces alanine with valine at codon 1105 of the MYBPC3 protein. Computational prediction suggests that this variant may not impact protein structure and function. To our knowledge, functional studies have not been reported for this variant. This variant has not been reported in individuals affected with MYBPC3-related disorders in the literature. This variant has not been identified in the general population by the Genome Aggregation Database (gnomAD). The available evidence is insufficient to determine the role of this variant in disease conclusively. Therefore, this variant is classified as a Variant of Uncertain Significance.

Ambry Genetics
Classification: Uncertain significance for Cardiovascular phenotype. Last evaluated: 2024-05-28. Review status: criteria provided, single submitter. Criteria: Ambry Variant Classification Scheme 2023. Collection method: clinical testing. Allele origin: germline.

NM_000256.3(MYBPC3):c.3314C>T (p.Ala1105Val)

Gene: MYBPC3 (myosin binding protein C3; minus strand). Cytogenetic location: 11p11.2.
Variant type: single nucleotide variant.
Coding change: c.3314C>T on transcript NM_000256.3 (MANE Select); coding-DNA position 3314, C replaced by T.
Protein change: p.Ala1105Val; replaces alanine 1105 with valine.
Molecular consequence: missense variant.
Genome position (GRCh38, 1-based): chr11:47,333,210, G>A on the plus strand (C>T on the coding strand, the complement: MYBPC3 is on the minus strand). VCF-style: chr11-47333210-G-A. GRCh37 (hg19) VCF-style: chr11-47354761-G-A.
Other names: short protein forms A1105V.
Identifiers: ClinVar variation 2193350 (VCV002193350.3), dbSNP rs786204356, ClinGen allele CA380314041.